The following is an entry in ClinVar:

NM_020759.3(STARD9):c.5323C>T (p.Pro1775Ser)

Gene: STARD9 (StAR related lipid transfer domain containing 9; plus strand). Cytogenetic location: 15q15.2.
Variant type: single nucleotide variant.
Coding change: c.5323C>T on transcript NM_020759.3 (MANE Select); coding-DNA position 5323, C replaced by T.
Protein change: p.Pro1775Ser; replaces proline 1775 with serine.
Molecular consequence: missense variant.
Genome position (GRCh38, 1-based): chr15:42,686,901, C>T. VCF-style: chr15-42686901-C-T. GRCh37 (hg19) VCF-style: chr15-42979099-C-T.
Other names: short protein forms P1775S.
Identifiers: ClinVar variation 3239039 (VCV003239039.19), dbSNP rs201393731.

ClinVar aggregate classification (germline): Likely benign (1 of 4 stars; one submission).

Allele frequency attached by ClinVar (database versions not stated): 1000 Genomes Project 30x 0.00016; gnomAD 0.00056; gnomAD exomes 0.00062; ExAC 0.00075; TOPMed 0.00080.
gnomAD v4.1: 961 of 1,536,580 alleles (0.063%); highest among the groups gnomAD compares: Middle Eastern, 0.15%; 2 homozygotes.

Submission:

CeGaT Center for Human Genetics Tuebingen
Classification: Likely benign. Last evaluated: 2024-05-01. Review status: criteria provided, single submitter. Criteria: CeGaT Center For Human Genetics Tuebingen Variant Classification Criteria Version 2. Collection method: clinical testing. Allele origin: germline. Affected: yes. Observed: 1 variant allele.
Comment: STARD9: BP4